The following is an entry in ClinVar:

ClinVar aggregate classification (germline): Uncertain significance (1 of 4 stars; one submission).

gnomAD v4.1: 1 of 1,613,550 alleles (0.000062%); highest among the groups gnomAD compares: Non-Finnish European, 0.000085%; no homozygotes.

Submission:

Ambry Genetics
Classification: Uncertain significance. Last evaluated: 2026-03-09. Review status: criteria provided, single submitter. Criteria: Ambry Variant Classification Scheme 2023. Collection method: clinical testing. Allele origin: germline.
Comment: The p.T888A variant (also known as c.2662A>G), located in coding exon 26 of the NEBL gene, results from an A to G substitution at nucleotide position 2662. The threonine at codon 888 is replaced by alanine, an amino acid with similar properties. This amino acid position is conserved. In addition, this alteration is predicted to be tolerated by in silico analysis. Based on the available evidence, the clinical significance of this variant remains unclear.

NM_006393.3(NEBL):c.2662A>G (p.Thr888Ala)

Gene: NEBL (nebulette; minus strand). Cytogenetic location: 10p12.31.
Variant type: single nucleotide variant.
Coding change: c.2662A>G on transcript NM_006393.3 (MANE Select); coding-DNA position 2662, A replaced by G.
Protein change: p.Thr888Ala; replaces threonine 888 with alanine.
Molecular consequence: missense variant. On other transcripts: intron variant (9).
Genome position (GRCh38, 1-based): chr10:20,808,609, T>C on the plus strand (A>G on the coding strand, the complement: NEBL is on the minus strand). VCF-style: chr10-20808609-T-C. GRCh37 (hg19) VCF-style: chr10-21097538-T-C.
Other names: c.421+4160A>G (NM_001377328.1, NM_001377326.1, NM_001377327.1); c.529+4160A>G (NM_213569.2, NM_001173484.2); c.622+1197A>G (NM_001377322.1); c.472+4160A>G (NM_001377324.1); c.463+4160A>G (NM_001377325.1); c.481+4160A>G (NM_001377323.1); short protein forms T888A.
Identifiers: ClinVar variation 4826139 (VCV004826139.1).
Genomic context (GRCh38, chr10:20,808,609, plus strand): 5'-AAAAGCTAGGGTAAATCTCGGAGATTTCTGACCTGTCGTCTCCGAGACCTGTACCGAAAG[T>C]ACTGCTGGAATGGGATCGAGACCAGTGTCGCCTATAGTGACTCGCCTTTTCTATATTGGA-3'
Protein context (NP_006384.1, residues 878-898): RHWSRSHSSS[Thr888Ala]FGTGLGDDRS